The following is an entry in ClinVar:

NM_018489.3(ASH1L):c.5461A>G (p.Lys1821Glu)

Gene: ASH1L (ASH1 like histone lysine methyltransferase; minus strand). Cytogenetic location: 1q22.
Variant type: single nucleotide variant.
Coding change: c.5461A>G on transcript NM_018489.3 (MANE Select); coding-DNA position 5461, A replaced by G.
Protein change: p.Lys1821Glu; replaces lysine 1821 with glutamic acid.
Molecular consequence: missense variant.
Genome position (GRCh38, 1-based): chr1:155,438,694, T>C on the plus strand (A>G on the coding strand, the complement: ASH1L is on the minus strand). VCF-style: chr1-155438694-T-C. GRCh37 (hg19) VCF-style: chr1-155408485-T-C.
Other names: c.5461A>G, p.Lys1821Glu (NM_001366177.2); short protein forms K1821E.
Identifiers: ClinVar variation 4689869 (VCV004689869.1).
Genomic context (GRCh38, chr1:155,438,694, plus strand): 5'-TCCTGGCCTGCCTTTGAAGTTTTTTGGCTTTTAAGATTTTATTGACATGGTCTAGGTTTT[T>C]CTTTGTGGCCAAGATTTTGTCGTAATTGCACATTTTCCGAGCTTGGCGTTGCATAGCTTC-3'
Protein context (NP_060959.2, residues 1811-1831): CNYDKILATK[Lys1821Glu]NLDHVNKILK

ClinVar aggregate classification (germline): Uncertain significance (1 of 4 stars; one submission).

Submission:

GeneDx
Classification: Uncertain significance. Last evaluated: 2025-07-28. Review status: criteria provided, single submitter. Criteria: GeneDx Variant Classification Process June 2021. Collection method: clinical testing. Allele origin: germline. Affected: yes.
Comment: Not observed at significant frequency in large population cohorts (gnomAD); In silico analysis suggests that this missense variant does not alter protein structure/function; Has not been previously published as pathogenic or benign to our knowledge